The following is an entry in ClinVar:

ClinVar aggregate classification (germline): Uncertain significance (1 of 4 stars; one submission).

gnomAD v4.1: 1 of 1,611,858 alleles (0.000062%); highest among the groups gnomAD compares: Non-Finnish European, 0.000085%; no homozygotes.

Submission:

Ambry Genetics
Classification: Uncertain significance. Last evaluated: 2025-02-05. Review status: criteria provided, single submitter. Criteria: Ambry Variant Classification Scheme 2023. Collection method: clinical testing. Allele origin: germline.
Comment: The p.Q1352R variant (also known as c.4055A>G), located in coding exon 19 of the WNK2 gene, results from an A to G substitution at nucleotide position 4055. The glutamine at codon 1352 is replaced by arginine, an amino acid with highly similar properties. This amino acid position is conserved. In addition, this alteration is predicted to be tolerated by in silico analysis. Based on the available evidence, the clinical significance of this variant remains unclear.

NM_006648.4(WNK2):c.4055A>G (p.Gln1352Arg)

Gene: WNK2 (WNK lysine deficient protein kinase 2; plus strand). Cytogenetic location: 9q22.31.
Variant type: single nucleotide variant.
Coding change: c.4055A>G on transcript NM_006648.4 (MANE Select); coding-DNA position 4055, A replaced by G.
Protein change: p.Gln1352Arg; replaces glutamine 1352 with arginine.
Molecular consequence: missense variant.
Genome position (GRCh38, 1-based): chr9:93,288,809, A>G. VCF-style: chr9-93288809-A-G. GRCh37 (hg19) VCF-style: chr9-96051091-A-G.
Other names: c.4166A>G, p.Gln1389Arg (NM_001282394.3); short protein forms Q1389R, Q1352R.
Identifiers: ClinVar variation 3817009 (VCV003817009.1).